The following is an entry in ClinVar:

ClinVar aggregate classification (germline): Conflicting classifications of pathogenicity. Review status: criteria provided, conflicting classifications (1 of 4 stars). 2 submissions from 2 submitters: Uncertain significance (1); Likely benign (1). Last evaluated 2025-04-03.

Conditions:
Inborn genetic diseases. Identifiers: MedGen C0950123, MeSH D030342.

Allele frequency attached by ClinVar (database versions not stated): gnomAD 0.00001; ExAC 0.00002; TOPMed 0.00002; gnomAD exomes 0.00005.

Submissions (2):

Ambry Genetics
Classification: Uncertain significance for Inborn genetic diseases. Last evaluated: 2025-04-03. Review status: criteria provided, single submitter. Criteria: Ambry Variant Classification Scheme 2023. Collection method: clinical testing. Allele origin: germline.

CeGaT Center for Human Genetics Tuebingen
Classification: Likely benign. Last evaluated: 2023-11-01. Review status: criteria provided, single submitter. Criteria: CeGaT Center For Human Genetics Tuebingen Variant Classification Criteria Version 2. Collection method: clinical testing. Allele origin: germline. Affected: yes. Observed: 1 variant allele.
Comment: IGSF1: BP4, BS2

NM_001555.5(IGSF1):c.586G>T (p.Val196Phe)

Gene: IGSF1 (immunoglobulin superfamily member 1; minus strand). Cytogenetic location: Xq26.1.
Variant type: single nucleotide variant.
Coding change: c.586G>T on transcript NM_001555.5 (MANE Select); coding-DNA position 586, G replaced by T.
Protein change: p.Val196Phe; replaces valine 196 with phenylalanine.
Molecular consequence: missense variant.
Genome position (GRCh38, 1-based): chrX:131,285,260, C>A on the plus strand (G>T on the coding strand, the complement: IGSF1 is on the minus strand). VCF-style: chrX-131285260-C-A. GRCh37 (hg19) VCF-style: chrX-130419234-C-A.
Other names: c.586G>T, p.Val196Phe (NM_001170961.2, NM_001170963.2, NM_205833.4); c.559G>T, p.Val187Phe (NM_001170962.2); c.586G>T (NM_001170961.1); short protein forms V187F, V196F.
Identifiers: ClinVar variation 2673260 (VCV002673260.23), dbSNP rs772643100, ClinGen allele CA10518171.